The following is an entry in ClinVar:

NM_001110556.2(FLNA):c.1628A>G (p.Tyr543Cys)

Gene: FLNA (filamin A; minus strand). Cytogenetic location: Xq28.
Variant type: single nucleotide variant.
Coding change: c.1628A>G on transcript NM_001110556.2 (MANE Select); coding-DNA position 1628, A replaced by G.
Protein change: p.Tyr543Cys; replaces tyrosine 543 with cysteine.
Molecular consequence: missense variant.
Genome position (GRCh38, 1-based): chrX:154,365,199, T>C on the plus strand (A>G on the coding strand, the complement: FLNA is on the minus strand). VCF-style: chrX-154365199-T-C. GRCh37 (hg19) VCF-style: chrX-153593567-T-C.
Other names: c.1628A>G, p.Tyr543Cys (NM_001456.4); c.1628A>G (NM_001456.3); short protein forms Y543C.
Identifiers: ClinVar variation 1381830 (VCV001381830.8), dbSNP rs41304984, ClinGen allele CA337283189.

ClinVar aggregate classification (germline): Uncertain significance. Review status: criteria provided, multiple submitters, no conflicts (2 of 4 stars). 4 submissions from 4 submitters: Uncertain significance (4). Last evaluated 2026-05-20.

Conditions:
Familial thoracic aortic aneurysm and aortic dissection (TAAD). Also called: Thoracic aortic aneurysms and dissections. Identifiers: Orphanet 91387, MedGen C4707243, MONDO:0019625.
Oto-palato-digital syndrome, type I (OPD1). Also called: OPD I SYNDROME; OPD SYNDROME 1; Otopalatodigital Syndrome Type 1 (FLNA-OPD1); Taybi syndrome; Otopalatodigital Syndrome, Type I. Identifiers: Orphanet 669, Orphanet 90650, MedGen C0265251, MONDO:0010704, OMIM 311300.
Heterotopia, periventricular, X-linked dominant (PVNH1). Also called: PERIVENTRICULAR NODULAR HETEROTOPIA 1; X-linked periventricular heterotopia; PERIVENTRICULAR NODULAR HETEROTOPIA 4; HETEROTOPIA, PERIVENTRICULAR, 1. Identifiers: Orphanet 2149, Orphanet 82004, MedGen C1848213, MONDO:0010233, OMIM 300049.
Oto-palato-digital syndrome, type II (OPD2). Also called: FACIOPALATOOSSEOUS SYNDROME; OPD II SYNDROME; Otopalatodigital Syndrome Type 2 (FLNA-OPD2); Otopalatodigital Syndrome, Type II. Identifiers: Orphanet 669, Orphanet 90652, MedGen C1844696, MONDO:0010571, OMIM 304120.
Melnick-Needles syndrome (MNS). Also called: MELNICK-NEEDLES OSTEODYSPLASTY; OSTEODYSPLASTY OF MELNICK AND NEEDLES; Melnick-Needles Syndrome (FLNA-MNS). Identifiers: Orphanet 2484, MedGen C0025237, MONDO:0010650, OMIM 309350.
Frontometaphyseal dysplasia (FMD1). Identifiers: Orphanet 1826, MedGen C0265293, MONDO:0015942.

Allele frequency attached by ClinVar (database versions not stated): gnomAD 0.00001; 1000 Genomes Project 30x 0.00021.
gnomAD v4.1: 6 of 1,209,673 alleles (0.0005%); highest among the groups gnomAD compares: Non-Finnish European, 0.00067%; no homozygotes.

Submissions (4):

Ambry Genetics
Classification: Uncertain significance for Familial thoracic aortic aneurysm and aortic dissection. Last evaluated: 2026-05-20. Review status: criteria provided, single submitter. Criteria: Ambry Variant Classification Scheme 2023. Collection method: clinical testing. Allele origin: germline.
Comment: The p.Y543C variant (also known as c.1628A>G), located in coding exon 10 of the FLNA gene, results from an A to G substitution at nucleotide position 1628. The tyrosine at codon 543 is replaced by cysteine, an amino acid with highly dissimilar properties. This amino acid position is conserved. In addition, the in silico prediction for this alteration is inconclusive. Based on the available evidence, the clinical significance of this variant remains unclear.

Clinical Genomics Laboratory, Washington University in St. Louis
Classification: Uncertain significance for Oto-palato-digital syndrome, type I. Last evaluated: 2026-01-15. Review status: criteria provided, single submitter. Criteria: ACMG Guidelines, 2015. Collection method: clinical testing. Allele origin: germline.
Comment: The FLNA c.1628A>G (p.Tyr543Cys) variant, to our knowledge, has not been reported in the medical literature but has been reported in the ClinVar database as a germline variant of uncertain significance by two submitters. This variant is absent from the general population (gnomAD v2.1.0), indicating it is not a common variant. Computational predictors are uncertain as to the impact of this variant on FLNA function. Due to limited information, and based on ACMG/AMP guidelines for variant interpretation (Richards S et al., PMID: 25741868), the clinical significance of this variant is uncertain at this time.

Labcorp Genetics (formerly Invitae), Labcorp
Classification: Uncertain significance for Oto-palato-digital syndrome, type II; Heterotopia, periventricular, X-linked dominant; Frontometaphyseal dysplasia; Melnick-Needles syndrome. Last evaluated: 2024-12-31. Review status: criteria provided, single submitter. Criteria: Invitae Variant Classification Sherloc (09022015). Collection method: clinical testing. Allele origin: germline.
Comment: This sequence change replaces tyrosine, which is neutral and polar, with cysteine, which is neutral and slightly polar, at codon 543 of the FLNA protein (p.Tyr543Cys). This variant is not present in population databases (gnomAD no frequency). This variant has not been reported in the literature in individuals affected with FLNA-related conditions. ClinVar contains an entry for this variant (Variation ID: 1381830). Invitae Evidence Modeling of protein sequence and biophysical properties (such as structural, functional, and spatial information, amino acid conservation, physicochemical variation, residue mobility, and thermodynamic stability) indicates that this missense variant is not expected to disrupt FLNA protein function with a negative predictive value of 95%. In summary, the available evidence is currently insufficient to determine the role of this variant in disease. Therefore, it has been classified as a Variant of Uncertain Significance.

Women's Health and Genetics/Laboratory Corporation of America, LabCorp
Classification: Uncertain significance. Last evaluated: 2023-07-30. Review status: criteria provided, single submitter. Criteria: LabCorp Variant Classification Summary - May 2015. Collection method: clinical testing. Allele origin: germline.